The following is an entry in ClinVar:

ClinVar aggregate classification (germline): Uncertain significance (1 of 4 stars; one submission).

Conditions:
CEP290-related disorder. Also called: CEP290-related condition; CEP290-related disorders. Identifiers: MedGen CN239314.

Submission:

PreventionGenetics, part of Exact Sciences
Classification: Uncertain significance for CEP290-related condition. Last evaluated: 2026-04-15. Review status: criteria provided, single submitter. Criteria: ACMG Guidelines, 2015. Collection method: clinical testing. Allele origin: germline.
Comment: The CEP290 c.1517G>T variant is predicted to result in the amino acid substitution p.Arg506Leu. To our knowledge, this variant has not been reported in the literature or in a large population database (gnomAD), indicating this variant is rare. At this time, the clinical significance of this variant is uncertain due to the absence of conclusive functional and genetic evidence.

NM_025114.4(CEP290):c.1517G>T (p.Arg506Leu)

Gene: CEP290 (centrosomal protein 290; minus strand). Cytogenetic location: 12q21.32.
Variant type: single nucleotide variant.
Coding change: c.1517G>T on transcript NM_025114.4 (MANE Select); coding-DNA position 1517, G replaced by T.
Protein change: p.Arg506Leu; replaces arginine 506 with leucine.
Molecular consequence: missense variant.
Genome position (GRCh38, 1-based): chr12:88,120,119, C>A on the plus strand (G>T on the coding strand, the complement: CEP290 is on the minus strand). VCF-style: chr12-88120119-C-A. GRCh37 (hg19) VCF-style: chr12-88513896-C-A.
Other names: short protein forms R506L.
Identifiers: ClinVar variation 4994829 (VCV004994829.1).
Genomic context (GRCh38, chr12:88,120,119, plus strand): 5'-AAAAAAGACTTGTAAATCAGGTTGCGCAAACTATGTAACTTAAAACATGGCTTACCCACA[C>A]GCTCTCTAAGTGCCTCATTTTCATCAAGGAAATCACTGATCTTCAATTCAAGTTTATTGA-3'
Protein context (NP_079390.3, residues 496-516): FLDENEALRE[Arg506Leu]VGLEPKTMID